The following is an entry in ClinVar:

NM_021930.6(RINT1):c.1292A>T (p.Glu431Val)

Gene: RINT1 (RAD50 interactor 1; plus strand). Cytogenetic location: 7q22.3.
Variant type: single nucleotide variant.
Coding change: c.1292A>T on transcript NM_021930.6 (MANE Select); coding-DNA position 1292, A replaced by T.
Protein change: p.Glu431Val; replaces glutamic acid 431 with valine.
Molecular consequence: missense variant. On other transcripts: non-coding transcript variant (1).
Genome position (GRCh38, 1-based): chr7:105,550,445, A>T. VCF-style: chr7-105550445-A-T. GRCh37 (hg19) VCF-style: chr7-105190892-A-T.
Other names: c.1058A>T, p.Glu353Val (NM_001346599.2); c.269A>T, p.Glu90Val (NM_001346600.2, NM_001346603.2); c.368A>T, p.Glu123Val (NM_001346601.2); short protein forms E123V, E353V, E431V, E90V.
Identifiers: ClinVar variation 4863341 (VCV004863341.1).
Genomic context (GRCh38, chr7:105,550,445, plus strand): 5'-AGCTACACAGTGTTCATGGCTATCCTGGCACTTTTGCTAGTTGTATGCATATTCTATCAG[A>T]GGAAACCTGTTTTCAGAGATGGTTGACGGTGGAGAGAAAATGTAAGTGCTGATGTGGCCA-3'
Protein context (NP_068749.3, residues 421-441): TFASCMHILS[Glu431Val]ETCFQRWLTV

ClinVar aggregate classification (germline): Uncertain significance (1 of 4 stars; one submission).

Submission:

Ambry Genetics
Classification: Uncertain significance. Last evaluated: 2026-05-27. Review status: criteria provided, single submitter. Criteria: Ambry Variant Classification Scheme 2023. Collection method: clinical testing. Allele origin: germline.
Comment: The p.E431V variant (also known as c.1292A>T), located in coding exon 9 of the RINT1 gene, results from an A to T substitution at nucleotide position 1292. The glutamic acid at codon 431 is replaced by valine, an amino acid with dissimilar properties. This amino acid position is conserved. In addition, the in silico prediction for this alteration is inconclusive. Based on the available evidence, the clinical significance of this variant remains unclear.